The following is an entry in ClinVar:

NM_025144.4(ALPK1):c.3538+11C>G

Gene: ALPK1 (alpha kinase 1; plus strand). Cytogenetic location: 4q25.
Variant type: single nucleotide variant.
Coding change: c.3538+11C>G on transcript NM_025144.4 (MANE Select); 11 bases into the intron after coding-DNA position 3538, C replaced by G.
Molecular consequence: intron variant.
Genome position (GRCh38, 1-based): chr4:112,439,883, C>G. VCF-style: chr4-112439883-C-G. GRCh37 (hg19) VCF-style: chr4-113361039-C-G.
Other names: c.3304+11C>G (NM_001253884.2); c.3538+11C>G (NM_001102406.2).
Identifiers: ClinVar variation 4848952 (VCV004848952.1).
Genomic context (GRCh38, chr4:112,439,883, plus strand): 5'-TTTTTCTTATGAGTTTTCTAATCATAGAGATGTTGTGGTCGATTTACAAGGTATGTGAAA[C>G]TGGGAATTATTTTTATTTTTAATATTATATGTAAATGTGAAGTTTTGTAACTAGCTTCCC-3'

ClinVar aggregate classification (germline): Likely benign (1 of 4 stars; one submission).

Submission:

Women's Health and Genetics/Laboratory Corporation of America, LabCorp
Classification: Likely benign. Last evaluated: 2026-04-02. Review status: criteria provided, single submitter. Criteria: LabCorp Variant Classification Summary - May 2015. Collection method: clinical testing. Allele origin: germline.
Comment: Variant summary: ALPK1 c.3538+11C>G alters a nucleotide located at a position not widely known to affect splicing. Consensus agreement among computation tools predict no significant impact on normal splicing. However, these predictions have yet to be confirmed by functional studies. The variant was absent in 207648 control chromosomes. The available data on variant occurrences in the general population are insufficient to allow any conclusion about variant significance. To our knowledge, no occurrence of c.3538+11C>G in individuals affected with ALPK1-related conditions and no experimental evidence demonstrating its impact on protein function have been reported. No submitters have cited clinical-significance assessments for this variant to ClinVar. Based on the evidence outlined above, the variant was classified as likely benign.